The following is an entry in ClinVar:

NM_000256.3(MYBPC3):c.3482_3490+3delinsTCATTCTT

Gene: MYBPC3 (myosin binding protein C3; minus strand). Cytogenetic location: 11p11.2.
Variant type: Indel.
Coding change: c.3482_3490+3delinsTCATTCTT on transcript NM_000256.3 (MANE Select); coding-DNA position 3482 through 3 bases into the intron after coding-DNA position 3490, CCAGACCAGGTG replaced by TCATTCTT.
Molecular consequence: splice donor variant.
Genome position (GRCh38, 1-based): chr11:47,332,811-47,332,822, CACCTGGTCTGG replaced by AAGAATGA on the plus strand (CCAGACCAGGTG replaced by TCATTCTT on the coding strand, the reverse complement: MYBPC3 is on the minus strand). VCF-style: chr11-47332811-CACCTGGTCTGG-AAGAATGA. GRCh37 (hg19) VCF-style: chr11-47354362-CACCTGGTCTGG-AAGAATGA.
Other names: c.3482_3490+3del12insTCATTCTT (NM_000256.3).
Identifiers: ClinVar variation 3297219 (VCV003297219.1).

ClinVar aggregate classification (germline): Likely pathogenic (1 of 4 stars; one submission).

Conditions:
Cardiovascular phenotype. Identifiers: MedGen CN230736.

Submission:

Ambry Genetics
Classification: Likely pathogenic for Cardiovascular phenotype. Last evaluated: 2024-04-24. Review status: criteria provided, single submitter. Criteria: Ambry Variant Classification Scheme 2023. Collection method: clinical testing. Allele origin: germline.
Comment: The c.3482_3490+3del12insTCATTCTT variant results from a deletion of 12 nucleotides between positions 3482 and 3490+3 and involves the canonical splice donor site after coding exon 31 of the MYBPC3 gene. This variant is considered to be rare based on population cohorts in the Genome Aggregation Database (gnomAD). The canonical splice donor site is highly conserved in available vertebrate species. In silico splice site analysis predicts that this alteration will result in the creation or strengthening of a novel splice donor site; however, the exact impact of this deletion on MYBPC3 splicing and function is currently unknown. Alterations that disrupt the canonical splice site are expected to cause aberrant splicing, resulting in an abnormal protein or a transcript that is subject to nonsense-mediated mRNA decay. As such, this alteration is classified as likely pathogenic.